The following is an entry in ClinVar:

NM_005378.6(MYCN):c.178C>T (p.Pro60Ser)

Genes: MYCN (MYCN proto-oncogene, bHLH transcription factor; plus strand), MYCNOS (MYCN opposite strand; minus strand). Cytogenetic location: 2p24.3.
Variant type: single nucleotide variant.
Coding change: c.178C>T on transcript NM_005378.6 (MANE Select); coding-DNA position 178, C replaced by T.
Protein change: p.Pro60Ser; replaces proline 60 with serine.
Molecular consequence: missense variant. On other transcripts: non-coding transcript variant (1), 3 prime UTR variant (1), intron variant (1).
Genome position (GRCh38, 1-based): chr2:15,942,242, C>T. VCF-style: chr2-15942242-C-T. GRCh37 (hg19) VCF-style: chr2-16082364-C-T.
Other names: c.178C>T, p.Pro60Ser (NM_001293228.2); c.*113C>T (NM_001293233.2); c.157+1499C>T (NM_001293231.2); short protein forms P60S.
Identifiers: ClinVar variation 3373091 (VCV003373091.1).
Genomic context (GRCh38, chr2:15,942,242, plus strand): 5'-CCCGACTCGACCCCCCCGGGGGAGGACATCTGGAAGAAGTTTGAGCTGCTGCCCACGCCC[C>T]CGCTGTCGCCCAGCCGTGGCTTCGCGGAGCACAGCTCCGAGCCCCCGAGCTGGGTCACGG-3'
Protein context (NP_005369.2, residues 50-70): WKKFELLPTP[Pro60Ser]LSPSRGFAEH

ClinVar aggregate classification (germline): Uncertain significance (1 of 4 stars; one submission).

Submission:

GeneDx
Classification: Uncertain significance. Last evaluated: 2024-02-29. Review status: criteria provided, single submitter. Criteria: GeneDx Variant Classification Process June 2021. Collection method: clinical testing. Allele origin: germline. Affected: yes.
Comment: Not observed at significant frequency in large population cohorts (gnomAD); In silico analysis supports that this missense variant has a deleterious effect on protein structure/function; Has not been previously published as pathogenic or benign to our knowledge